The following is an entry in ClinVar:

ClinVar aggregate classification (germline): Uncertain significance (1 of 4 stars; one submission).

Conditions:
3-methylcrotonyl-CoA carboxylase 1 deficiency (MCC1D). Also called: MCCD TYPE 1; METHYLCROTONYLGLYCINURIA TYPE I; MCC 1 deficiency; 3 Alpha methylcrotonylglycinuria 1. Identifiers: Orphanet 6, MedGen CN028786, MONDO:0008861, OMIM 210200.

Submission:

Labcorp Genetics (formerly Invitae), Labcorp
Classification: Uncertain significance for 3-methylcrotonyl-CoA carboxylase 1 deficiency. Last evaluated: 2021-10-12. Review status: criteria provided, single submitter. Criteria: Invitae Variant Classification Sherloc (09022015). Collection method: clinical testing. Allele origin: germline.
Comment: In summary, the available evidence is currently insufficient to determine the role of this variant in disease. Therefore, it has been classified as a Variant of Uncertain Significance. Algorithms developed to predict the effect of missense changes on protein structure and function (SIFT, PolyPhen-2, Align-GVGD) all suggest that this variant is likely to be tolerated, but these predictions have not been confirmed by published functional studies and their clinical significance is uncertain. This variant has not been reported in the literature in individuals with MCCC1-related conditions. This variant is not present in population databases (ExAC no frequency). This sequence change replaces arginine with glycine at codon 409 of the MCCC1 protein (p.Arg409Gly). The arginine residue is weakly conserved and there is a moderate physicochemical difference between arginine and glycine.

NM_020166.5(MCCC1):c.1225C>G (p.Arg409Gly)

Gene: MCCC1 (methylcrotonyl-CoA carboxylase subunit 1; minus strand). Cytogenetic location: 3q27.1.
Variant type: single nucleotide variant.
Coding change: c.1225C>G on transcript NM_020166.5 (MANE Select); coding-DNA position 1225, C replaced by G.
Protein change: p.Arg409Gly; replaces arginine 409 with glycine.
Molecular consequence: missense variant. On other transcripts: non-coding transcript variant (2).
Genome position (GRCh38, 1-based): chr3:183,041,609, G>C on the plus strand (C>G on the coding strand, the complement: MCCC1 is on the minus strand). VCF-style: chr3-183041609-G-C. GRCh37 (hg19) VCF-style: chr3-182759397-G-C.
Other names: c.874C>G, p.Arg292Gly (NM_001293273.2); c.898C>G, p.Arg300Gly (NM_001363880.1); short protein forms R409G, R292G, R300G.
Identifiers: ClinVar variation 1361432 (VCV001361432.6), dbSNP rs1484347924, ClinGen allele CA355322480.